The following is an entry in ClinVar:

NM_001329943.3(KIAA0586):c.4207A>G (p.Met1403Val)

Gene: KIAA0586 (KIAA0586; plus strand). Cytogenetic location: 14q23.1.
Variant type: single nucleotide variant.
Coding change: c.4207A>G on transcript NM_001329943.3 (MANE Select); coding-DNA position 4207, A replaced by G.
Protein change: p.Met1403Val; replaces methionine 1403 with valine.
Molecular consequence: missense variant.
Genome position (GRCh38, 1-based): chr14:58,508,593, A>G. VCF-style: chr14-58508593-A-G. GRCh37 (hg19) VCF-style: chr14-58975311-A-G.
Other names: c.4366A>G, p.Met1456Val (NM_001244189.2); c.4162A>G, p.Met1388Val (NM_001244190.2); c.3952A>G, p.Met1318Val (NM_001244191.2, NM_001329945.2, NM_001364700.1 and 1 more transcripts); c.4075A>G, p.Met1359Val (NM_001244192.2, NM_001329947.2); c.3787A>G, p.Met1263Val (NM_001244193.2); c.4207A>G, p.Met1403Val (NM_001329944.2, NM_001329946.2); c.3979A>G, p.Met1327Val (NM_014749.5); c.3979A>G (NM_014749.3); short protein forms M1388V, M1263V, M1327V, M1403V, M1456V, M1318V, M1359V.
Identifiers: ClinVar variation 1345971 (VCV001345971.7), dbSNP rs890327400, ClinGen allele CA262033844.

ClinVar aggregate classification (germline): Uncertain significance. Review status: criteria provided, multiple submitters, no conflicts (2 of 4 stars). 2 submissions from 2 submitters: Uncertain significance (2). Last evaluated 2025-06-11.

Conditions:
Inborn genetic diseases. Identifiers: MedGen C0950123, MeSH D030342.
Joubert syndrome 23 (JBTS23). Identifiers: Orphanet 475, MedGen C4084822, MONDO:0014664, OMIM 616490.
Short-rib thoracic dysplasia 14 with polydactyly (SRTD14). Identifiers: Orphanet 397715, MedGen C4225286, MONDO:0014688, OMIM 616546.

Allele frequency attached by ClinVar (database versions not stated): gnomAD exomes 0.00002; TOPMed 0.00002.

Submissions (2):

Ambry Genetics
Classification: Uncertain significance for Inborn genetic diseases. Last evaluated: 2025-06-11. Review status: criteria provided, single submitter. Criteria: Ambry Variant Classification Scheme 2023. Collection method: clinical testing. Allele origin: germline.

Labcorp Genetics (formerly Invitae), Labcorp
Classification: Uncertain significance for Joubert syndrome 23; Short-rib thoracic dysplasia 14 with polydactyly. Last evaluated: 2022-08-22. Review status: criteria provided, single submitter. Criteria: Invitae Variant Classification Sherloc (09022015). Collection method: clinical testing. Allele origin: germline.
Comment: In summary, the available evidence is currently insufficient to determine the role of this variant in disease. Therefore, it has been classified as a Variant of Uncertain Significance. Algorithms developed to predict the effect of sequence changes on RNA splicing suggest that this variant may create or strengthen a splice site. Algorithms developed to predict the effect of missense changes on protein structure and function output the following: SIFT: "Tolerated"; PolyPhen-2: "Benign"; Align-GVGD: "Class C0". The valine amino acid residue is found in multiple mammalian species, which suggests that this missense change does not adversely affect protein function. ClinVar contains an entry for this variant (Variation ID: 1345971). This variant has not been reported in the literature in individuals affected with KIAA0586-related conditions. The frequency data for this variant in the population databases is considered unreliable, as metrics indicate poor data quality at this position in the gnomAD database. This sequence change replaces methionine, which is neutral and non-polar, with valine, which is neutral and non-polar, at codon 1456 of the KIAA0586 protein (p.Met1456Val).